The following is an entry in ClinVar:

ClinVar aggregate classification (germline): Pathogenic (1 of 4 stars; one submission).

Submission:

Labcorp Genetics (formerly Invitae), Labcorp
Classification: Pathogenic. Last evaluated: 2022-08-16. Review status: criteria provided, single submitter. Criteria: Invitae Variant Classification Sherloc (09022015). Collection method: clinical testing. Allele origin: germline.
Comment: This sequence change creates a premature translational stop signal (p.Leu1116*) in the USH2A gene. It is expected to result in an absent or disrupted protein product. Loss-of-function variants in USH2A are known to be pathogenic (PMID: 10729113, 10909849, 20507924, 25649381). This variant is not present in population databases (gnomAD no frequency). This variant has not been reported in the literature in individuals affected with USH2A-related conditions. For these reasons, this variant has been classified as Pathogenic.

Literature cited by the submitters: PubMed 10729113; PubMed 10909849; PubMed 20507924; PubMed 25649381.

NM_206933.4(USH2A):c.3347T>G (p.Leu1116Ter)

Genes: USH2A (usherin; minus strand), USH2A-AS1 (USH2A antisense RNA 1; plus strand). Cytogenetic location: 1q41.
Variant type: single nucleotide variant.
Coding change: c.3347T>G on transcript NM_206933.4 (MANE Select); coding-DNA position 3347, T replaced by G.
Protein change: p.Leu1116Ter; replaces leucine 1116 with a stop codon.
Molecular consequence: nonsense.
Genome position (GRCh38, 1-based): chr1:216,200,091, A>C on the plus strand (T>G on the coding strand, the complement: USH2A is on the minus strand). VCF-style: chr1-216200091-A-C. GRCh37 (hg19) VCF-style: chr1-216373433-A-C.
Other names: c.3347T>G, p.Leu1116Ter (NM_007123.6); short protein forms L1116*.
Identifiers: ClinVar variation 2063575 (VCV002063575.4), dbSNP rs2034950420, ClinGen allele CA344869033.